The following is an entry in ClinVar:

ClinVar aggregate classification (germline): Conflicting classifications of pathogenicity. Review status: criteria provided, conflicting classifications (1 of 4 stars). 5 submissions from 5 submitters: Uncertain significance (1); Likely benign (4). Last evaluated 2026-03-27.

Conditions:
CEP290-related disorder. Also called: CEP290-related condition; CEP290-related disorders. Identifiers: MedGen CN239314.
Meckel-Gruber syndrome. Also called: DYSENCEPHALIA SPLANCHNOCYSTICA; Dysencephalia splachnocystica; GRUBER SYNDROME. Identifiers: Orphanet 564, MedGen C0265215, MONDO:0018921.
Nephronophthisis. Also called: Juvenile Nephronophthisis. Identifiers: Orphanet 655, MedGen C0687120, MONDO:0019005, HP:0000090.
Joubert syndrome. Also called: Familial aplasia of the vermis; JOUBERT-BOLTSHAUSER SYNDROME. Identifiers: Orphanet 475, MedGen C5979921, MONDO:0018772.

Allele frequency attached by ClinVar (database versions not stated): ExAC below 0.00001; gnomAD 0.00001; gnomAD exomes 0.00001; TOPMed 0.00001.

Submissions (5):

PreventionGenetics, part of Exact Sciences
Classification: Likely benign for CEP290-related condition. Last evaluated: 2026-03-27. Review status: criteria provided, single submitter. Criteria: ACMG Guidelines, 2015. Collection method: clinical testing. Allele origin: germline.
Comment: This variant is classified as likely benign based on ACMG/AMP sequence variant interpretation guidelines (Richards et al. 2015 PMID: 25741868, with internal and published modifications).

Labcorp Genetics (formerly Invitae), Labcorp
Classification: Likely benign for Joubert syndrome; Meckel-Gruber syndrome; Nephronophthisis. Last evaluated: 2026-01-28. Review status: criteria provided, single submitter. Criteria: Invitae Variant Classification Sherloc (09022015). Collection method: clinical testing. Allele origin: germline.

CeGaT Center for Human Genetics Tuebingen
Classification: Uncertain significance. Last evaluated: 2024-12-01. Review status: criteria provided, single submitter. Criteria: CeGaT Center For Human Genetics Tuebingen Variant Classification Criteria Version 2. Collection method: clinical testing. Allele origin: germline. Affected: yes. Observed: 1 variant allele.
Comment: CEP290: PM2, BP4

Blueprint Genetics
Classification: Likely benign. Last evaluated: 2024-10-11. Review status: criteria provided, single submitter. Criteria: ACMG Guidelines, 2015. Collection method: clinical testing. Allele origin: germline.

GeneDx
Classification: Likely benign. Last evaluated: 2017-10-13. Review status: criteria provided, single submitter. Criteria: GeneDx Variant Classification (06012015). Collection method: clinical testing. Allele origin: germline. Affected: yes.
Comment: This variant is considered likely benign or benign based on one or more of the following criteria: it is a conservative change, it occurs at a poorly conserved position in the protein, it is predicted to be benign by multiple in silico algorithms, and/or has population frequency not consistent with disease.

NM_025114.4(CEP290):c.1455A>G (p.Glu485=)

Gene: CEP290 (centrosomal protein 290; minus strand). Cytogenetic location: 12q21.32.
Variant type: single nucleotide variant.
Coding change: c.1455A>G on transcript NM_025114.4 (MANE Select); coding-DNA position 1455, A replaced by G.
Protein change: p.Glu485=; no amino-acid change (glutamic acid 485 retained).
Molecular consequence: synonymous variant.
Genome position (GRCh38, 1-based): chr12:88,120,181, T>C on the plus strand (A>G on the coding strand, the complement: CEP290 is on the minus strand). VCF-style: chr12-88120181-T-C. GRCh37 (hg19) VCF-style: chr12-88513958-T-C.
Identifiers: ClinVar variation 512607 (VCV000512607.27), dbSNP rs755893750, ClinGen allele CA6712552.
Genomic context (GRCh38, chr12:88,120,181, plus strand): 5'-CTCTCTAAGTGCCTCATTTTCATCAAGGAAATCACTGATCTTCAATTCAAGTTTATTGAT[T>C]TCCTTTGTTAATATTTCAATCTCTCGATCTCTTATTTTAATTTGGTTTTTACAATTCTTT-3'
Protein context (NP_079390.3, residues 475-495): RDREIEILTK[Glu485=]INKLELKISD